The following is an entry in ClinVar:

NM_004423.4(DVL3):c.845T>C (p.Met282Thr)

Gene: DVL3 (dishevelled segment polarity protein 3; plus strand). Cytogenetic location: 3q27.1.
Variant type: single nucleotide variant.
Coding change: c.845T>C on transcript NM_004423.4 (MANE Select); coding-DNA position 845, T replaced by C.
Protein change: p.Met282Thr; replaces methionine 282 with threonine.
Molecular consequence: missense variant.
Genome position (GRCh38, 1-based): chr3:184,166,207, T>C. VCF-style: chr3-184166207-T-C. GRCh37 (hg19) VCF-style: chr3-183883995-T-C.
Other names: short protein forms M282T.
Identifiers: ClinVar variation 2418276 (VCV002418276.6), dbSNP rs371458501, ClinGen allele CA2727256.

ClinVar aggregate classification (germline): Uncertain significance (1 of 4 stars; one submission).

Allele frequency attached by ClinVar (database versions not stated): ExAC 0.00001; gnomAD 0.00001; gnomAD exomes 0.00002; TOPMed 0.00002; ESP Exome Variant Server 0.00008.
gnomAD v4.1: 30 of 1,613,468 alleles (0.0019%); highest among the groups gnomAD compares: Non-Finnish European, 0.0025%; no homozygotes.

Submission:

Labcorp Genetics (formerly Invitae), Labcorp
Classification: Uncertain significance. Last evaluated: 2024-03-23. Review status: criteria provided, single submitter. Criteria: Invitae Variant Classification Sherloc (09022015). Collection method: clinical testing. Allele origin: germline.
Comment: This sequence change replaces methionine, which is neutral and non-polar, with threonine, which is neutral and polar, at codon 282 of the DVL3 protein (p.Met282Thr). This variant is present in population databases (rs371458501, gnomAD 0.0009%). This variant has not been reported in the literature in individuals affected with DVL3-related conditions. ClinVar contains an entry for this variant (Variation ID: 2418276). Advanced modeling of protein sequence and biophysical properties (such as structural, functional, and spatial information, amino acid conservation, physicochemical variation, residue mobility, and thermodynamic stability) performed at Invitae indicates that this missense variant is expected to disrupt DVL3 protein function with a positive predictive value of 80%. In summary, the available evidence is currently insufficient to determine the role of this variant in disease. Therefore, it has been classified as a Variant of Uncertain Significance.